The following is an entry in ClinVar:

ClinVar aggregate classification (germline): Pathogenic. Review status: criteria provided, multiple submitters, no conflicts (2 of 4 stars). 2 submissions from 2 submitters: Pathogenic (2). Last evaluated 2022-12-04.

Conditions:
Charcot-Marie-Tooth disease, type I (CMT1). Also called: Charcot-Marie-Tooth, Type 1; Charcot-Marie-Tooth disease type 1. Identifiers: Orphanet 65753, MedGen C0751036, MONDO:0019011.

Submissions (2):

GeneDx
Classification: Pathogenic. Last evaluated: 2022-12-04. Review status: criteria provided, single submitter. Criteria: GeneDx Variant Classification Process June 2021. Collection method: clinical testing. Allele origin: germline. Affected: yes.
Comment: Missense variants in this gene are often considered pathogenic (HGMD); In silico analysis supports that this missense variant has a deleterious effect on protein structure/function; Not observed at significant frequency in large population cohorts (gnomAD); This variant is associated with the following publications: (PMID: 31315766, 26310628, 20461396, 33825325, 24077912)

Labcorp Genetics (formerly Invitae), Labcorp
Classification: Pathogenic for Charcot-Marie-Tooth disease, type I. Last evaluated: 2020-02-04. Review status: criteria provided, single submitter. Criteria: Invitae Variant Classification Sherloc (09022015). Collection method: clinical testing. Allele origin: germline.
Comment: For these reasons, this variant has been classified as Pathogenic. Advanced modeling of protein sequence and biophysical properties (such as structural, functional, and spatial information, amino acid conservation, physicochemical variation, residue mobility, and thermodynamic stability) performed at Invitae indicates that this missense variant is expected to disrupt MPZ protein function. This variant has been observed in individual(s) with autosomal dominant Charcot-Marie-Tooth disease (PMID: 31315766, Invitae). In at least one individual the variant was observed to be de novo. ClinVar contains an entry for this variant (Variation ID: 462796). This variant is not present in population databases (ExAC no frequency). This sequence change replaces proline with alanine at codon 132 of the MPZ protein (p.Pro132Ala). The proline residue is highly conserved and there is a small physicochemical difference between proline and alanine.

Literature cited by the submitters: PubMed 31315766 (cited by Labcorp Genetics (formerly Invitae), Labcorp).

NM_000530.8(MPZ):c.394C>G (p.Pro132Ala)

Gene: MPZ (myelin protein zero; minus strand). Cytogenetic location: 1q23.3.
Variant type: single nucleotide variant.
Coding change: c.394C>G on transcript NM_000530.8 (MANE Select); coding-DNA position 394, C replaced by G.
Protein change: p.Pro132Ala; replaces proline 132 with alanine.
Molecular consequence: missense variant.
Genome position (GRCh38, 1-based): chr1:161,306,762, G>C on the plus strand (C>G on the coding strand, the complement: MPZ is on the minus strand). VCF-style: chr1-161306762-G-C. GRCh37 (hg19) VCF-style: chr1-161276552-G-C.
Other names: c.394C>G, p.Pro132Ala (NM_001315491.2); c.394C>G (LRG_256t1); short protein forms P132A.
Identifiers: ClinVar variation 462796 (VCV000462796.9), dbSNP rs1553259649, ClinGen allele CA343348732.